The following is an entry in ClinVar:

NM_006939.4(SOS2):c.213+18A>T

Gene: SOS2 (SOS Ras/Rho guanine nucleotide exchange factor 2; minus strand). Cytogenetic location: 14q21.3.
Variant type: single nucleotide variant.
Coding change: c.213+18A>T on transcript NM_006939.4 (MANE Select); 18 bases into the intron after coding-DNA position 213, A replaced by T.
Molecular consequence: intron variant.
Genome position (GRCh38, 1-based): chr14:50,204,266, T>A on the plus strand (A>T on the coding strand, the complement: SOS2 is on the minus strand). VCF-style: chr14-50204266-T-A. GRCh37 (hg19) VCF-style: chr14-50670984-T-A.
Identifiers: ClinVar variation 496337 (VCV000496337.13), dbSNP rs143888968, ClinGen allele CA7177591.

ClinVar aggregate classification (germline): Benign/Likely benign. Review status: criteria provided, multiple submitters, no conflicts (2 of 4 stars). 6 submissions from 6 submitters: Benign (5); Likely benign (1). Last evaluated 2026-01-28.

Conditions:
Noonan syndrome 9 (NS9). Identifiers: Orphanet 648, MedGen C4225282, MONDO:0014691, OMIM 616559.

Allele frequency attached by ClinVar (database versions not stated): 1000 Genomes Project 0.00020; 1000 Genomes Project 30x 0.00031; gnomAD 0.00096; TOPMed 0.00096; ESP Exome Variant Server 0.00177.
gnomAD v4.1: 2,540 of 1,538,190 alleles (0.17%); highest among the groups gnomAD compares: Non-Finnish European, 0.21%; 5 homozygotes.

Submissions (6):

Labcorp Genetics (formerly Invitae), Labcorp
Classification: Benign for Noonan syndrome 9. Last evaluated: 2026-01-28. Review status: criteria provided, single submitter. Criteria: Invitae Variant Classification Sherloc (09022015). Collection method: clinical testing. Allele origin: germline.

Blueprint Genetics
Classification: Likely benign. Last evaluated: 2024-11-27. Review status: criteria provided, single submitter. Criteria: ACMG Guidelines, 2015. Collection method: clinical testing. Allele origin: germline.

ARUP Laboratories, Molecular Genetics and Genomics, ARUP Laboratories
Classification: Benign for Noonan syndrome 9. Last evaluated: 2023-08-11. Review status: criteria provided, single submitter. Criteria: ARUP Molecular Germline Variant Investigation Process 2024. Collection method: clinical testing. Allele origin: germline.

GeneDx
Classification: Benign. Last evaluated: 2017-07-03. Review status: criteria provided, single submitter. Criteria: GeneDx Variant Classification (06012015). Collection method: clinical testing. Allele origin: germline. Affected: yes.
Comment: This variant is considered likely benign or benign based on one or more of the following criteria: it is a conservative change, it occurs at a poorly conserved position in the protein, it is predicted to be benign by multiple in silico algorithms, and/or has population frequency not consistent with disease.

Women's Health and Genetics/Laboratory Corporation of America, LabCorp
Classification: Benign. Last evaluated: 2017-04-17. Review status: criteria provided, single submitter. Criteria: LabCorp Variant Classification Summary - May 2015. Collection method: clinical testing. Allele origin: germline.
Comment: Variant summary: The SOS2 c.213+18A>T variant involves the alteration of a non-conserved intronic nucleotide. One in silico tool predicts a benign outcome for this variant. 4/5 splice prediction tools predict no significant impact on normal splicing and ESE finder predicts the creation of an SRp40 ESE site at the locus. However, these predictions have yet to be confirmed by functional studies. This variant was found in the large control database ExAC in 163/120530 control chromosomes from all ethnicities, but is predominantly observed in the European (Non-Finnish) subpopulation at a frequency of 0.00228 (151/66228). This frequency is about 912 times the estimated maximal expected allele frequency of a pathogenic SOS2 variant (0.0000025), suggesting this is likely a benign polymorphism found primarily in the populations of European (Non-Finnish) origin. To our knowledge, the variant of interest has not been reported in affected individuals via publications and/or reputable databases/clinical diagnostic laboratories, nor has it been evaluated for functional impact by in vivo/vitro studies. Taken together, this variant is classified as benign.

Genome-Nilou Lab
Classification: Benign for Noonan syndrome 9. Review status: criteria provided, single submitter. Criteria: ACMG Guidelines, 2015. Collection method: clinical testing. Allele origin: germline.